The following is an entry in ClinVar:

ClinVar aggregate classification (germline): Uncertain significance (1 of 4 stars; one submission).

Conditions:
Hereditary diffuse gastric adenocarcinoma (HDGC). Also called: DIFFUSE GASTRIC AND LOBULAR BREAST CANCER SYNDROME. Identifiers: Orphanet 26106, MedGen C1708349, MONDO:0007648, OMIM 137215.

Submission:

Labcorp Genetics (formerly Invitae), Labcorp
Classification: Uncertain significance for Hereditary diffuse gastric adenocarcinoma. Last evaluated: 2025-02-25. Review status: criteria provided, single submitter. Criteria: Invitae Variant Classification Sherloc (09022015). Collection method: clinical testing. Allele origin: germline.
Comment: This sequence change replaces threonine, which is neutral and polar, with serine, which is neutral and polar, at codon 73 of the CDH1 protein (p.Thr73Ser). This variant is not present in population databases (gnomAD no frequency). This variant has not been reported in the literature in individuals affected with CDH1-related conditions. ClinVar contains an entry for this variant (Variation ID: 2862184). An algorithm developed to predict the effect of missense changes on protein structure and function outputs the following: PolyPhen-2: "Benign". The serine amino acid residue is found in multiple mammalian species, which suggests that this missense change does not adversely affect protein function. In summary, the available evidence is currently insufficient to determine the role of this variant in disease. Therefore, it has been classified as a Variant of Uncertain Significance.

NM_004360.5(CDH1):c.218C>G (p.Thr73Ser)

Gene: CDH1 (cadherin 1; plus strand). Cytogenetic location: 16q22.1.
Variant type: single nucleotide variant.
Coding change: c.218C>G on transcript NM_004360.5 (MANE Select); coding-DNA position 218, C replaced by G.
Protein change: p.Thr73Ser; replaces threonine 73 with serine.
Molecular consequence: missense variant. On other transcripts: 5 prime UTR variant (2).
Genome position (GRCh38, 1-based): chr16:68,801,724, C>G. VCF-style: chr16-68801724-C-G. GRCh37 (hg19) VCF-style: chr16-68835627-C-G.
Other names: c.218C>G, p.Thr73Ser (NM_001317184.2); c.-1398C>G (NM_001317185.2); c.-1602C>G (NM_001317186.2); short protein forms T73S.
Identifiers: ClinVar variation 2862184 (VCV002862184.3), dbSNP rs1555514410, ClinGen allele CA396457185.
Genomic context (GRCh38, chr16:68,801,724, plus strand): 5'-CTGCAGTGAATTTTGAAGATTGCACCGGTCGACAAAGGACAGCCTATTTTTCCCTCGACA[C>G]CCGATTCAAAGTGGGCACAGATGGTGTGATTACAGTCAAAAGGCCTCTACGGTTTCATAA-3'
Protein context (NP_004351.1, residues 63-83): RQRTAYFSLD[Thr73Ser]RFKVGTDGVI